The following is an entry in ClinVar:

NM_000428.3(LTBP2):c.4719G>A (p.Thr1573=)

Gene: LTBP2 (latent transforming growth factor beta binding protein 2; minus strand). Cytogenetic location: 14q24.3.
Variant type: single nucleotide variant.
Coding change: c.4719G>A on transcript NM_000428.3 (MANE Select); coding-DNA position 4719, G replaced by A.
Protein change: p.Thr1573=; no amino-acid change (threonine 1573 retained).
Molecular consequence: synonymous variant.
Genome position (GRCh38, 1-based): chr14:74,503,470, C>T on the plus strand (G>A on the coding strand, the complement: LTBP2 is on the minus strand). VCF-style: chr14-74503470-C-T. GRCh37 (hg19) VCF-style: chr14-74970173-C-T.
Identifiers: ClinVar variation 2069271 (VCV002069271.1), dbSNP rs763812721, ClinGen allele CA7268673.
Genomic context (GRCh38, chr14:74,503,470, plus strand): 5'-ACATGAGCCCCCCAGCCCAGGTACCCTTCTCCTGCTCCCCCACGCTCAGGCCCACTCACC[C>T]GTGCTGCTGGTGCTGTTCATGCAGCGCTGCTGGCTGAGGTCCAGGGTGAGCGGGGGGCTG-3'
Protein context (NP_000419.1, residues 1563-1583): QQRCMNSTSS[Thr1573=]EDLPDHDIHM

ClinVar aggregate classification (germline): Uncertain significance (1 of 4 stars; one submission).

Allele frequency attached by ClinVar (database versions not stated): gnomAD 0.00003; TOPMed 0.00003; ExAC 0.00006.
gnomAD v4.1: 25 of 1,610,790 alleles (0.0016%); highest among the groups gnomAD compares: Admixed American, 0.0084%; no homozygotes.

Submission:

Labcorp Genetics (formerly Invitae), Labcorp
Classification: Uncertain significance. Last evaluated: 2022-02-21. Review status: criteria provided, single submitter. Criteria: Invitae Variant Classification Sherloc (09022015). Collection method: clinical testing. Allele origin: germline.
Comment: This sequence change affects codon 1573 of the LTBP2 mRNA. It is a 'silent' change, meaning that it does not change the encoded amino acid sequence of the LTBP2 protein. It affects a nucleotide within the consensus splice site. This variant is present in population databases (rs763812721, gnomAD 0.02%). This variant has not been reported in the literature in individuals affected with LTBP2-related conditions. Algorithms developed to predict the effect of sequence changes on RNA splicing suggest that this variant is not likely to affect RNA splicing. In summary, the available evidence is currently insufficient to determine the role of this variant in disease. Therefore, it has been classified as a Variant of Uncertain Significance.